The following is an entry in ClinVar:

ClinVar aggregate classification (germline): Uncertain significance (1 of 4 stars; one submission).

Conditions:
Immunodeficiency 104. Also called: Severe Combined Immune Deficiency, Autosomal Recessive, TCell -Negative, B Cell-Positive, NK Cell-Positive, IL7R-Related; Severe combined immunodeficiency, autosomal recessive, T cell-negative, B cell-positive, NK cell-positive; SCID, AUTOSOMAL RECESSIVE, T CELL-NEGATIVE, B CELL-POSITIVE, NK CELL-POSITIVE; IMMUNODEFICIENCY 104, SEVERE COMBINED. Identifiers: MedGen C5676890, MONDO:0012163, OMIM 608971.

Submission:

Labcorp Genetics (formerly Invitae), Labcorp
Classification: Uncertain significance for Immunodeficiency 104. Last evaluated: 2022-11-08. Review status: criteria provided, single submitter. Criteria: Invitae Variant Classification Sherloc (09022015). Collection method: clinical testing. Allele origin: germline.
Comment: In summary, the available evidence is currently insufficient to determine the role of this variant in disease. Therefore, it has been classified as a Variant of Uncertain Significance. Variants that disrupt the consensus splice site are a relatively common cause of aberrant splicing (PMID: 17576681, 9536098). Algorithms developed to predict the effect of sequence changes on RNA splicing suggest that this variant is not likely to affect RNA splicing. ClinVar contains an entry for this variant (Variation ID: 1471854). This variant has not been reported in the literature in individuals affected with PTPRC-related conditions. This variant is not present in population databases (gnomAD no frequency). This sequence change affects codon 949 of the PTPRC mRNA. It is a 'silent' change, meaning that it does not change the encoded amino acid sequence of the PTPRC protein. This variant also falls at the last nucleotide of exon 26, which is part of the consensus splice site for this exon.

Literature cited by the submitters: PubMed 17576681; PubMed 9536098.

NM_002838.5(PTPRC):c.2847G>A (p.Gln949=)

Gene: PTPRC (protein tyrosine phosphatase receptor type C; plus strand). Cytogenetic location: 1q32.1.
Variant type: single nucleotide variant.
Coding change: c.2847G>A on transcript NM_002838.5 (MANE Select); coding-DNA position 2847, G replaced by A.
Protein change: p.Gln949=; no amino-acid change (glutamine 949 retained).
Molecular consequence: synonymous variant.
Genome position (GRCh38, 1-based): chr1:198,744,203, G>A. VCF-style: chr1-198744203-G-A. GRCh37 (hg19) VCF-style: chr1-198713332-G-A.
Other names: c.2364G>A, p.Gln788= (NM_080921.4).
Identifiers: ClinVar variation 1471854 (VCV001471854.6), dbSNP rs762292865, ClinGen allele CA422682468.